The following is an entry in ClinVar:

NM_001844.5(COL2A1):c.823C>T (p.Arg275Cys)

Gene: COL2A1 (collagen type II alpha 1 chain; minus strand). Cytogenetic location: 12q13.11.
Variant type: single nucleotide variant.
Coding change: c.823C>T on transcript NM_001844.5 (MANE Select); coding-DNA position 823, C replaced by T.
Protein change: p.Arg275Cys; replaces arginine 275 with cysteine.
Molecular consequence: missense variant.
Genome position (GRCh38, 1-based): chr12:47,994,041, G>A on the plus strand (C>T on the coding strand, the complement: COL2A1 is on the minus strand). VCF-style: chr12-47994041-G-A. GRCh37 (hg19) VCF-style: chr12-48387824-G-A.
Other names: R75C; c.616C>T, p.Arg206Cys (NM_033150.3); short protein forms R206C, R275C.
Identifiers: ClinVar variation 17368 (VCV000017368.43), dbSNP rs121912876, ClinGen allele CA127158.

ClinVar aggregate classification (germline): Pathogenic. Review status: criteria provided, multiple submitters, no conflicts (2 of 4 stars). 10 submissions from 10 submitters: Pathogenic (9). 1 of the submissions does not count toward it. Last evaluated 2026-01-16.

Conditions:
COL2A1-related skeletal disorder.
Acetabular dysplasia. Identifiers: MedGen C1328407, HP:0008807.
COL2A1-related disorder. Also called: COL2A1-related condition; COL2A1-related disorders.
Spondyloepiphyseal dysplasia with metatarsal shortening. Also called: Pseudorheumatoid dysplasia progressive, with hypoplastic toes; CZECH DYSPLASIA, METATARSAL TYPE; SPONDYLOEPIPHYSEAL DYSPLASIA WITH PRECOCIOUS OSTEOARTHRITIS. Identifiers: Orphanet 137678, MedGen C1836683, MONDO:0012206, OMIM 609162.
Achondrogenesis type II (ACG2). Also called: ACHONDROGENESIS, LANGER-SALDINO TYPE; CHONDROGENESIS IMPERFECTA. Identifiers: Orphanet 932, Orphanet 93296, MedGen C0220685, MONDO:0008702, OMIM 200610.
Stickler syndrome type 1 (STL1). Also called: ARTHROOPHTHALMOPATHY, HEREDITARY PROGRESSIVE; COL2A1-Related Stickler Syndrome; STICKLER SYNDROME, MEMBRANOUS VITREOUS TYPE; STICKLER SYNDROME, VITREOUS TYPE 1. Identifiers: Orphanet 828, Orphanet 90653, MedGen C2020284, MONDO:0007160, OMIM 108300.

Submissions (10):

Labcorp Genetics (formerly Invitae), Labcorp
Classification: Pathogenic. Last evaluated: 2026-01-16. Review status: criteria provided, single submitter. Criteria: Invitae Variant Classification Sherloc (09022015). Collection method: clinical testing. Allele origin: germline.
Comment: This sequence change replaces arginine, which is basic and polar, with cysteine, which is neutral and slightly polar, at codon 275 of the COL2A1 protein (p.Arg275Cys). This variant is not present in population databases (gnomAD no frequency). This missense change has been observed in individuals with autosomal dominant COL2A1-related conditions (PMID: 8244341, 32071555). It has also been observed to segregate with disease in related individuals. This variant is also known as p.Arg75Cys. ClinVar contains an entry for this variant (Variation ID: 17368). Invitae Evidence Modeling of protein sequence and biophysical properties (such as structural, functional, and spatial information, amino acid conservation, physicochemical variation, residue mobility, and thermodynamic stability) has been performed for this missense variant. However, the output from this modeling did not meet the statistical confidence thresholds required to predict the impact of this variant on COL2A1 protein function. For these reasons, this variant has been classified as Pathogenic.

Clinical Biomedical Laboratory, Shriners Hospital For Children - Canada
Classification: Pathogenic for Spondyloepiphyseal dysplasia with metatarsal shortening. Last evaluated: 2025-10-05. Review status: criteria provided, single submitter. Criteria: ACMG Guidelines, 2015. Collection method: clinical testing. Allele origin: germline. Affected: yes.
Comment: This variant is predicted to substitute an arginine residue by a cysteine residue in COL2A1. This variant is known to be associated with spondyloepiphyseal dysplasia with metatarsal shortening, also called Czech dysplasia (PMID 18553548). This variant is absent from the Genome Aggregation Database (v2.1.1). This specific variant has been reported in the literature (PMID: 18553548) in individuals with Czech dysplasia.

Division of Genetic & Genomic Pathology, Hong Kong Children's Hospital
Classification: Pathogenic for COL2A1-related skeletal disorder. Last evaluated: 2024-11-04. Review status: criteria provided, single submitter. Criteria: ACMG Guidelines, 2015. Collection method: clinical testing. Allele origin: germline. Affected: yes.
Comment: COL2A1 c.823C>T p.(Arg275Cys) is a missense variant located in exon 13 (out of 54 exons) of the gene. The variant is absent in population databases (gnomAD v.2.1.1 and v.4.1.0), and has been deposited as pathogenic in ClinVar (VCV000017368.37). It has been identified as a recurrent pathogenic variant in multiple families with COL2A1-related skeletal dysplasia (PMID: 16755660, 18553548, 19764028). The variant has a REVEL score of 0.936, which is predicted to be deleterious. For these reasons, this variant is classified as pathogenic.

Women's Health and Genetics/Laboratory Corporation of America, LabCorp
Classification: Pathogenic for Achondrogenesis type II. Last evaluated: 2023-07-20. Review status: criteria provided, single submitter. Criteria: LabCorp Variant Classification Summary - May 2015. Collection method: clinical testing. Allele origin: germline.
Comment: Variant summary: COL2A1 c.823C>T (p.Arg275Cys), also referred to by the legacy name Arg75Cys in the literature, results in a non-conservative amino acid change located in the collagen triple helix repeat region of the encoded protein sequence. Five of five in-silico tools predict a damaging effect of the variant on protein function. The variant was absent in 250954 control chromosomes (gnomAD). c.823C>T has been reported in the literature in multiple individuals affected with Czech Dysplasia from geographically distinct families where it has been found to segregate with the disease phenotype in an autosomal dominant, fully penetrant pattern of inheritance (e.g. Carlson_2006, Tzschach_2008, Matsui_2009). These data indicate that the variant is very likely to be associated with disease. The following publications have been ascertained in the context of this evaluation (PMID: 16755660, 19764028, 18553548). Five submitters have cited clinical-significance assessments for this variant to ClinVar after 2014 and all classified the variant as pathogenic. Based on the evidence outlined above, the variant was classified as pathogenic.

Institute for Medical Genetics and Human Genetics, Charité - Universitätsmedizin Berlin
Classification: Pathogenic for Spondyloepiphyseal dysplasia with metatarsal shortening. Last evaluated: 2022-09-22. Review status: criteria provided, single submitter. Criteria: ACMG Guidelines, 2015. Collection method: clinical testing. Allele origin: germline. Inheritance: Autosomal dominant inheritance. Affected: yes. Observed: 1 heterozygote.

GeneDx
Classification: Pathogenic. Last evaluated: 2022-01-12. Review status: criteria provided, single submitter. Criteria: GeneDx Variant Classification Process June 2021. Collection method: clinical testing. Allele origin: germline. Affected: yes.
Comment: Not observed at significant frequency in large population cohorts (gnomAD); In silico analysis supports that this missense variant has a deleterious effect on protein structure/function; Reported in ClinVar but additional evidence is not available (ClinVar Variant ID 17368); This variant is associated with the following publications: (PMID: 21990059, 31633310, 31894489, 7757086, 16755660, 23928235, 23448908, 17726487, 31711313, 26183434, 15593085, 32071555, 31758797, 27234559, 28334714, 21204228, 26443184, 8877930, 26691295, 27523816, 16155195, 22791362, 21438135, 29738498, 25735649, 19433093, 21356074, 21472893, 18553548, 19764028, 21332586, 18383211, 8244341, 7738948, 8024616, 33706891, 30363003)

Blueprint Genetics
Classification: Pathogenic for COL2A1-related disorders. Last evaluated: 2019-10-22. Review status: criteria provided, single submitter. Criteria: ACMG Guidelines, 2015. Collection method: clinical testing. Allele origin: germline. Affected: yes. Observed: 2 variant alleles.

Mendelics
Classification: Pathogenic for Stickler syndrome type 1. Last evaluated: 2019-05-28. Review status: criteria provided, single submitter. Criteria: Mendelics Assertion Criteria 2017. Collection method: clinical testing. Allele origin: unknown.

Rheumatology and Immunology Department, Shandong Provincial Hospital Affiliated to Shandong First Medicial University
Classification: Pathogenic for Acetabular dysplasia. Review status: criteria provided, single submitter. Criteria: ACMG Guidelines, 2015. Collection method: research. Allele origin: inherited. Inheritance: Autosomal dominant inheritance. Affected: yes. Observed: 1 heterozygote.

OMIM
Classification: Pathogenic for CZECH DYSPLASIA. Last evaluated: 2009-10-01. Review status: no assertion criteria provided. Collection method: literature only. Allele origin: germline. Not counted in ClinVar's aggregate classification.

Literature cited by the submitters: PubMed 8244341 (cited by Labcorp Genetics (formerly Invitae), Labcorp and OMIM); PubMed 32071555 (cited by Labcorp Genetics (formerly Invitae), Labcorp); PubMed 18553548 (cited by 3 submitters); PubMed 16755660 (cited by Division of Genetic & Genomic Pathology, Hong Kong Children's Hospital and Women's Health and Genetics/Laboratory Corporation of America, LabCorp); PubMed 19764028 (cited by 3 submitters); PubMed 8024616 (cited by OMIM); PubMed 17726487 (cited by OMIM).